The following is an entry in ClinVar:

ClinVar aggregate classification (germline): Uncertain significance (1 of 4 stars; one submission).

Conditions:
POMC-related disorder. Also called: POMC-related condition; POMC-related disorders.

gnomAD v4.1: 4 of 1,551,870 alleles (0.00026%); highest among the groups gnomAD compares: East Asian, 0.0073%; no homozygotes.

Submission:

PreventionGenetics, part of Exact Sciences
Classification: Uncertain significance for POMC-related condition. Last evaluated: 2026-05-10. Review status: criteria provided, single submitter. Criteria: ACMG Guidelines, 2015. Collection method: clinical testing. Allele origin: germline.
Comment: The POMC c.256C>G variant is predicted to result in the amino acid substitution p.Arg86Gly. To our knowledge, this variant has not been reported in the literature. This variant is reported in 0.0091% of alleles in individuals of East Asian descent in gnomAD. At this time, the clinical significance of this variant is uncertain due to the absence of conclusive functional and genetic evidence.

NM_000939.4(POMC):c.256C>G (p.Arg86Gly)

Gene: POMC (proopiomelanocortin; minus strand). Cytogenetic location: 2p23.3.
Variant type: single nucleotide variant.
Coding change: c.256C>G on transcript NM_000939.4 (MANE Select); coding-DNA position 256, C replaced by G.
Protein change: p.Arg86Gly; replaces arginine 86 with glycine.
Molecular consequence: missense variant.
Genome position (GRCh38, 1-based): chr2:25,161,629, G>C on the plus strand (C>G on the coding strand, the complement: POMC is on the minus strand). VCF-style: chr2-25161629-G-C. GRCh37 (hg19) VCF-style: chr2-25384498-G-C.
Other names: c.256C>G, p.Arg86Gly (NM_001035256.3, NM_001319204.2, NM_001319205.2); short protein forms R86G.
Identifiers: ClinVar variation 4978329 (VCV004978329.1).